The following is an entry in ClinVar:

ClinVar aggregate classification (germline): Pathogenic (1 of 4 stars; one submission).

Conditions:
Fanconi anemia complementation group O. Also called: RAD51C-Related Fanconi Anemia. Identifiers: Orphanet 84, MedGen C3150653, MONDO:0013248, OMIM 613390.

Submission:

Labcorp Genetics (formerly Invitae), Labcorp
Classification: Pathogenic for Fanconi anemia complementation group O. Last evaluated: 2021-05-07. Review status: criteria provided, single submitter. Criteria: Invitae Variant Classification Sherloc (09022015). Collection method: clinical testing. Allele origin: germline.
Comment: For these reasons, this variant has been classified as Pathogenic. This variant has not been reported in the literature in individuals with RAD51C-related conditions. This variant is not present in population databases (ExAC no frequency). This sequence change creates a premature translational stop signal (p.Tyr327*) in the RAD51C gene. It is expected to result in an absent or disrupted protein product. Loss-of-function variants in RAD51C are known to be pathogenic (PMID: 20400964, 21990120, 24800917).

Literature cited by the submitters: PubMed 20400964; PubMed 21990120; PubMed 24800917.

NM_058216.3(RAD51C):c.981C>A (p.Tyr327Ter)

Gene: RAD51C (RAD51 paralog C; plus strand). Cytogenetic location: 17q22.
Variant type: single nucleotide variant.
Coding change: c.981C>A on transcript NM_058216.3 (MANE Select); coding-DNA position 981, C replaced by A.
Protein change: p.Tyr327Ter; replaces tyrosine 327 with a stop codon.
Molecular consequence: nonsense. On other transcripts: non-coding transcript variant (1).
Genome position (GRCh38, 1-based): chr17:58,732,499, C>A. VCF-style: chr17-58732499-C-A. GRCh37 (hg19) VCF-style: chr17-56809860-C-A.
Other names: short protein forms Y327*.
Identifiers: ClinVar variation 1391838 (VCV001391838.6), dbSNP rs2144044910, ClinGen allele CA400364902.
Genomic context (GRCh38, chr17:58,732,499, plus strand): 5'-TTAAGTTCATGTGTTTGTATGTATTTATTCTTTTTCTTTAAGCAGGTTGGCAACATTGTA[C>A]AAGTCACCCAGCCAGAAGGAATGCACAGTACTGTTTCAAATCAAAGTCAGTATTATTTGA-3'